The following is an entry in ClinVar:

ClinVar aggregate classification (germline): Pathogenic (1 of 4 stars; one submission).

Conditions:
Seckel syndrome 7 (SCKL7). Identifiers: Orphanet 319675, MedGen C3553870, MONDO:0013922, OMIM 614851.

Submission:

Women's Health and Genetics/Laboratory Corporation of America, LabCorp
Classification: Pathogenic for Seckel syndrome 7. Last evaluated: 2025-07-17. Review status: criteria provided, single submitter. Criteria: LabCorp Variant Classification Summary - May 2015. Collection method: clinical testing. Allele origin: germline.
Comment: Variant summary: NIN c.4100_4103delATCA (p.Asn1367ArgfsX17) results in a premature termination codon, predicted to cause a truncation of the encoded protein or absence of the protein due to nonsense mediated decay, which are commonly known mechanisms for disease. The variant allele was found at a frequency of 1.1e-05 in 182878 control chromosomes. To our knowledge, no occurrence of c.4100_4103delATCA in individuals affected with Seckel Syndrome 7 and no experimental evidence demonstrating its impact on protein function have been reported. No submitters have cited clinical-significance assessments for this variant to ClinVar. Based on the evidence outlined above, the variant was classified as pathogenic.

NM_020921.4(NIN):c.4100_4103del (p.Asn1367fs)

Gene: NIN (ninein; minus strand). Cytogenetic location: 14q22.1.
Variant type: Deletion.
Coding change: c.4100_4103del on transcript NM_020921.4 (MANE Select); coding-DNA positions 4100 to 4103, 4 bases deleted (ATCA; older notation c.4100_4103delATCA).
Protein change: p.Asn1367fs; shifts the reading frame from asparagine 1367.
Molecular consequence: frameshift variant. On other transcripts: intron variant (1).
Genome position (GRCh38, 1-based): chr14:50,756,927-50,756,930, TGAT deleted on the plus strand (ATCA on the coding strand, the reverse complement: NIN is on the minus strand); deleting any 4 consecutive bases within chr14:50,756,927-50,756,933 gives the same sequence; the c. name uses the placement nearest the transcript's 3' end. VCF-style (leftmost placement, unchanged base first): chr14-50756926-CTGAT-C. GRCh37 (hg19) VCF-style: chr14-51223644-CTGAT-C.
Other names: c.4100_4103del, p.Asn1367fs (NM_182944.3, NM_182946.2); c.2400-2063_2400-2060del (NM_016350.5); c.4100_4103delATCA (NM_020921.4); short protein forms N1367fs.
Identifiers: ClinVar variation 4525807 (VCV004525807.1).
Genomic context (GRCh38, chr14:50,756,926, plus strand): 5'-CTTACATTCCTCTATGACATGATGTACACTCCTAACCCTGGGCACACACTCTTCCAGTGT[CTGAT>C]TGAGCTGGAGTATATTTCCATCAGGTTCGATTTCCAGGTTCTCTAAACTGGCTTCCCATA-3'